The following is an entry in ClinVar:

ClinVar aggregate classification (germline): Uncertain significance. Review status: criteria provided, multiple submitters, no conflicts (2 of 4 stars). 2 submissions from 2 submitters: Uncertain significance (2). Last evaluated 2024-12-16.

Conditions:
Inborn genetic diseases. Identifiers: MedGen C0950123, MeSH D030342.
COG1 congenital disorder of glycosylation (CDG2G). Also called: CONGENITAL DISORDER OF GLYCOSYLATION, TYPE IIg; CDG IIg; CDGII/COG1 CEREBROCOSTOMANDIBULAR-LIKE SYNDROME. Identifiers: Orphanet 263508, MedGen C2931011, MONDO:0012637, OMIM 611209.

Allele frequency attached by ClinVar (database versions not stated): gnomAD exomes below 0.00001.

Submissions (2):

Labcorp Genetics (formerly Invitae), Labcorp
Classification: Uncertain significance for COG1 congenital disorder of glycosylation. Last evaluated: 2024-12-16. Review status: criteria provided, single submitter. Criteria: Invitae Variant Classification Sherloc (09022015). Collection method: clinical testing. Allele origin: germline.
Comment: This sequence change replaces cysteine, which is neutral and slightly polar, with arginine, which is basic and polar, at codon 403 of the COG1 protein (p.Cys403Arg). This variant is not present in population databases (gnomAD no frequency). This variant has not been reported in the literature in individuals affected with COG1-related conditions. ClinVar contains an entry for this variant (Variation ID: 2008992). Invitae Evidence Modeling of protein sequence and biophysical properties (such as structural, functional, and spatial information, amino acid conservation, physicochemical variation, residue mobility, and thermodynamic stability) indicates that this missense variant is expected to disrupt COG1 protein function with a positive predictive value of 80%. In summary, the available evidence is currently insufficient to determine the role of this variant in disease. Therefore, it has been classified as a Variant of Uncertain Significance.

Ambry Genetics
Classification: Uncertain significance for Inborn genetic diseases. Last evaluated: 2023-12-18. Review status: criteria provided, single submitter. Criteria: Ambry Variant Classification Scheme 2023. Collection method: clinical testing. Allele origin: germline.

NM_018714.3(COG1):c.1207T>C (p.Cys403Arg)

Genes: COG1 (component of oligomeric golgi complex 1; plus strand), LOC126862634 (CDK7 strongly-dependent group 2 enhancer GRCh37_chr17:71195948-71197147; plus strand). Cytogenetic location: 17q25.1.
Variant type: single nucleotide variant.
Coding change: c.1207T>C on transcript NM_018714.3 (MANE Select); coding-DNA position 1207, T replaced by C.
Protein change: p.Cys403Arg; replaces cysteine 403 with arginine.
Molecular consequence: missense variant.
Genome position (GRCh38, 1-based): chr17:73,200,702, T>C. VCF-style: chr17-73200702-T-C. GRCh37 (hg19) VCF-style: chr17-71196841-T-C.
Other names: c.1207T>C (NM_018714.2); short protein forms C403R.
Identifiers: ClinVar variation 2008992 (VCV002008992.5), dbSNP rs2511081603, ClinGen allele CA400890048.